The following is an entry in ClinVar:

ClinVar aggregate classification (germline): Uncertain significance (1 of 4 stars; one submission).

Submission:

Athena Diagnostics
Classification: Uncertain significance. Last evaluated: 2020-02-23. Review status: criteria provided, single submitter. Criteria: Athena Diagnostics Criteria. Collection method: clinical testing. Allele origin: unknown.
Comment: This observation is not an independent occurrence and has been identified in the same individual by RCIGM, the other laboratory participating in the GEMINI study.

NM_007327.4(GRIN1):c.1848C>G (p.Asn616Lys)

Gene: GRIN1 (glutamate ionotropic receptor NMDA type subunit 1; plus strand). Cytogenetic location: 9q34.3.
Variant type: single nucleotide variant.
Coding change: c.1848C>G on transcript NM_007327.4 (MANE Select); coding-DNA position 1848, C replaced by G.
Protein change: p.Asn616Lys; replaces asparagine 616 with lysine.
Molecular consequence: missense variant.
Genome position (GRCh38, 1-based): chr9:137,162,500, C>G. VCF-style: chr9-137162500-C-G. GRCh37 (hg19) VCF-style: chr9-140056952-C-G.
Other names: c.1848C>G, p.Asn616Lys (NM_000832.7, NM_021569.4); c.1911C>G, p.Asn637Lys (NM_001185090.2, NM_001185091.2); short protein forms N616K, N637K.
Identifiers: ClinVar variation 1809758 (VCV001809758.1), dbSNP rs2538639584, ClinGen allele CA375719899.
Genomic context (GRCh38, chr9:137,162,500, plus strand): 5'-GGAGGAGGACGCACTGACCCTGTCCTCGGCCATGTGGTTCTCCTGGGGCGTCCTGCTCAA[C>G]TCCGGCATCGGGGAAGGTAAGGCCCCGCCCGGCCCGCCTGGTCCCGCCTCGGCCCTCTAG-3'
Protein context (NP_015566.1, residues 606-626): AMWFSWGVLL[Asn616Lys]SGIGEGAPRS